The following is an entry in ClinVar:

NM_015158.5(KANK1):c.3764C>A (p.Ala1255Asp)

Gene: KANK1 (KN motif and ankyrin repeat domains 1; plus strand). Cytogenetic location: 9p24.3.
Variant type: single nucleotide variant.
Coding change: c.3764C>A on transcript NM_015158.5 (MANE Select); coding-DNA position 3764, C replaced by A.
Protein change: p.Ala1255Asp; replaces alanine 1255 with aspartic acid.
Molecular consequence: missense variant. On other transcripts: non-coding transcript variant (1).
Genome position (GRCh38, 1-based): chr9:742,272, C>A. VCF-style: chr9-742272-C-A. GRCh37 (hg19) VCF-style: chr9-742272-C-A.
Other names: c.3764C>A, p.Ala1255Asp (NM_001256876.3, NM_001256877.3, NM_001354334.2); c.3524C>A, p.Ala1175Asp (NM_001354331.2); c.3710C>A, p.Ala1237Asp (NM_001354332.2); c.3290C>A, p.Ala1097Asp (NM_001354333.2, NM_001354335.2, NM_001354337.2 and 2 more transcripts); c.2996C>A, p.Ala999Asp (NM_001354336.2); c.3236C>A, p.Ala1079Asp (NM_001354338.2, NM_001354340.2, NM_001354344.2); c.3050C>A, p.Ala1017Asp (NM_001354339.2, NM_001354342.2, NM_001354343.2); c.3764C>A (NM_015158.2); short protein forms A1079D, A1175D, A999D, A1255D, A1097D, A1237D, A1017D.
Identifiers: ClinVar variation 1383418 (VCV001383418.8), dbSNP rs187246624, ClinGen allele CA4961162.
Genomic context (GRCh38, chr9:742,272, plus strand): 5'-AGACGGCCCTCATGCTGGCGGTCAGTCACGGACGGATAGACATGGTGAAGGGCCTTCTGG[C>A]CTGTGGGGCTGATGTCAACATCCAGGATGACGAGGGCTCCACGGCCCTCATGTGTGCCAG-3'
Protein context (NP_055973.2, residues 1245-1265): GRIDMVKGLL[Ala1255Asp]CGADVNIQDD

ClinVar aggregate classification (germline): Uncertain significance. Review status: criteria provided, multiple submitters, no conflicts (2 of 4 stars). 3 submissions from 3 submitters: Uncertain significance (3). Last evaluated 2024-05-15.

Conditions:
Cerebral palsy, spastic quadriplegic, 2 (CPSQ2). Identifiers: Orphanet 210141, MedGen C2752061, MONDO:0013033, OMIM 612900.

Allele frequency attached by ClinVar (database versions not stated): ExAC 0.00001; gnomAD exomes 0.00001; 1000 Genomes Project 30x 0.00016; 1000 Genomes Project 0.00020.
gnomAD v4.1: 8 of 1,614,188 alleles (0.0005%); highest among the groups gnomAD compares: Admixed American, 0.0067%; no homozygotes.

Submissions (3):

Labcorp Genetics (formerly Invitae), Labcorp
Classification: Uncertain significance. Last evaluated: 2024-05-15. Review status: criteria provided, single submitter. Criteria: Invitae Variant Classification Sherloc (09022015). Collection method: clinical testing. Allele origin: germline.
Comment: This sequence change replaces alanine, which is neutral and non-polar, with aspartic acid, which is acidic and polar, at codon 1255 of the KANK1 protein (p.Ala1255Asp). This variant is present in population databases (rs187246624, gnomAD 0.006%). This variant has not been reported in the literature in individuals affected with KANK1-related conditions. ClinVar contains an entry for this variant (Variation ID: 1383418). An algorithm developed to predict the effect of missense changes on protein structure and function (PolyPhen-2) suggests that this variant is likely to be disruptive. In summary, the available evidence is currently insufficient to determine the role of this variant in disease. Therefore, it has been classified as a Variant of Uncertain Significance.

Ambry Genetics
Classification: Uncertain significance. Last evaluated: 2023-04-11. Review status: criteria provided, single submitter. Criteria: Ambry Variant Classification Scheme 2023. Collection method: clinical testing. Allele origin: germline.

Fulgent Genetics
Classification: Uncertain significance for Cerebral palsy, spastic quadriplegic, 2. Last evaluated: 2021-07-19. Review status: criteria provided, single submitter. Criteria: ACMG Guidelines, 2015. Collection method: clinical testing. Allele origin: unknown.